The following is an entry in ClinVar:

ClinVar aggregate classification (germline): Uncertain significance. Review status: criteria provided, multiple submitters, no conflicts (2 of 4 stars). 2 submissions from 2 submitters: Uncertain significance (2). Last evaluated 2025-09-25.

Conditions:
Biotinidase deficiency. Also called: BTD deficiency; Late-onset biotin-responsive multiple carboxylase deficiency; Biotin deficiency. Identifiers: Orphanet 79241, MedGen C0220754, MONDO:0009665, OMIM 253260.
BTD-related disorder. Also called: BTD-related condition.

Allele frequency attached by ClinVar (database versions not stated): gnomAD 0.00002; ExAC 0.00007.
gnomAD v4.1: 35 of 1,614,074 alleles (0.0022%); highest among the groups gnomAD compares: Admixed American, 0.032%; no homozygotes.

Submissions (2):

PreventionGenetics, part of Exact Sciences
Classification: Uncertain significance for BTD-related condition. Last evaluated: 2025-09-25. Review status: criteria provided, single submitter. Criteria: ACMG Guidelines, 2015. Collection method: clinical testing. Allele origin: germline.
Comment: The BTD c.1162G>A variant is predicted to result in the amino acid substitution p.Val388Met. To our knowledge, this variant has not been reported in the literature. This variant is reported in 0.038% of alleles in individuals of Latino descent in gnomAD. At this time, the clinical significance of this variant is uncertain due to the absence of conclusive functional and genetic evidence.

Labcorp Genetics (formerly Invitae), Labcorp
Classification: Uncertain significance for Biotinidase deficiency. Last evaluated: 2022-07-20. Review status: criteria provided, single submitter. Criteria: Invitae Variant Classification Sherloc (09022015). Collection method: clinical testing. Allele origin: germline.
Comment: This sequence change replaces valine, which is neutral and non-polar, with methionine, which is neutral and non-polar, at codon 388 of the BTD protein (p.Val388Met). This variant is present in population databases (rs764770052, gnomAD 0.04%). This variant has not been reported in the literature in individuals affected with BTD-related conditions. Algorithms developed to predict the effect of missense changes on protein structure and function output the following: SIFT: "Tolerated"; PolyPhen-2: "Benign"; Align-GVGD: "Class C0". The methionine amino acid residue is found in multiple mammalian species, which suggests that this missense change does not adversely affect protein function. In summary, the available evidence is currently insufficient to determine the role of this variant in disease. Therefore, it has been classified as a Variant of Uncertain Significance.

NM_001370658.1(BTD):c.1102G>A (p.Val368Met)

Gene: BTD (biotinidase; plus strand). Cytogenetic location: 3p25.1.
Variant type: single nucleotide variant.
Coding change: c.1102G>A on transcript NM_001370658.1 (MANE Select); coding-DNA position 1102, G replaced by A.
Protein change: p.Val368Met; replaces valine 368 with methionine.
Molecular consequence: missense variant. On other transcripts: intron variant (2).
Genome position (GRCh38, 1-based): chr3:15,645,018, G>A. VCF-style: chr3-15645018-G-A. GRCh37 (hg19) VCF-style: chr3-15686525-G-A.
Other names: c.1162G>A, p.Val388Met (NM_000060.4); c.1102G>A, p.Val368Met (NM_001281723.4, NM_001281724.3, NM_001281725.3 and 16 more transcripts); c.1015+87G>A (NM_001370752.1); c.399+2961G>A (NM_001370753.1); short protein forms V368M, V388M.
Identifiers: ClinVar variation 2418826 (VCV002418826.3), dbSNP rs764770052, ClinGen allele CA2277431.